The following is an entry in ClinVar:

NM_006785.4(MALT1):c.2089G>A (p.Asp697Asn)

Gene: MALT1 (MALT1 paracaspase; plus strand). Cytogenetic location: 18q21.32.
Variant type: single nucleotide variant.
Coding change: c.2089G>A on transcript NM_006785.4 (MANE Select); coding-DNA position 2089, G replaced by A.
Protein change: p.Asp697Asn; replaces aspartic acid 697 with asparagine.
Molecular consequence: missense variant.
Genome position (GRCh38, 1-based): chr18:58,747,456, G>A. VCF-style: chr18-58747456-G-A. GRCh37 (hg19) VCF-style: chr18-56414688-G-A.
Other names: c.2056G>A, p.Asp686Asn (NM_173844.3); short protein forms D686N, D697N.
Identifiers: ClinVar variation 1714896 (VCV001714896.5), dbSNP rs2511571938, ClinGen allele CA402576496.
Genomic context (GRCh38, chr18:58,747,456, plus strand): 5'-CCTTTTCAGGAACATCTAGTCTTCACAGTATGTTTATCATATCAGTACTCAGGATTGGAA[G>A]ATACTGTAGAGGACAAGCAGGAAGTGAATGTTGGGAAACCTCTCATTGCTAAATTAGACA-3'
Protein context (NP_006776.1, residues 687-707): CLSYQYSGLE[Asp697Asn]TVEDKQEVNV

ClinVar aggregate classification (germline): Uncertain significance (1 of 4 stars; one submission).

Conditions:
Combined immunodeficiency due to MALT1 deficiency. Also called: Immunodeficiency 12. Identifiers: Orphanet 397964, MedGen C3809583, MONDO:0014197, OMIM 615468.

Submission:

Labcorp Genetics (formerly Invitae), Labcorp
Classification: Uncertain significance for Combined immunodeficiency due to MALT1 deficiency. Last evaluated: 2022-08-03. Review status: criteria provided, single submitter. Criteria: Invitae Variant Classification Sherloc (09022015). Collection method: clinical testing. Allele origin: germline.
Comment: This variant is not present in population databases (gnomAD no frequency). This variant has not been reported in the literature in individuals affected with MALT1-related conditions. This sequence change replaces aspartic acid, which is acidic and polar, with asparagine, which is neutral and polar, at codon 697 of the MALT1 protein (p.Asp697Asn). Algorithms developed to predict the effect of missense changes on protein structure and function are either unavailable or do not agree on the potential impact of this missense change (SIFT: "Deleterious"; PolyPhen-2: "Benign"; Align-GVGD: "Class C0"). In summary, the available evidence is currently insufficient to determine the role of this variant in disease. Therefore, it has been classified as a Variant of Uncertain Significance.